The following is an entry in ClinVar:

ClinVar aggregate classification (germline): Uncertain significance (1 of 4 stars; one submission).

Submission:

Labcorp Genetics (formerly Invitae), Labcorp
Classification: Uncertain significance. Last evaluated: 2025-10-29. Review status: criteria provided, single submitter. Criteria: Invitae Variant Classification Sherloc (09022015). Collection method: clinical testing. Allele origin: germline.
Comment: This sequence change replaces leucine, which is neutral and non-polar, with proline, which is neutral and non-polar, at codon 106 of the PPP1CB protein (p.Leu106Pro). This variant is not present in population databases (gnomAD no frequency). This variant has not been reported in the literature in individuals affected with PPP1CB-related conditions. Invitae Evidence Modeling of protein sequence and biophysical properties (such as structural, functional, and spatial information, amino acid conservation, physicochemical variation, residue mobility, and thermodynamic stability) indicates that this missense variant is expected to disrupt PPP1CB protein function with a positive predictive value of 80%. In summary, the available evidence is currently insufficient to determine the role of this variant in disease. Therefore, it has been classified as a Variant of Uncertain Significance.

NM_002709.3(PPP1CB):c.317T>C (p.Leu106Pro)

Gene: PPP1CB (protein phosphatase 1 catalytic subunit beta; plus strand). Cytogenetic location: 2p23.2.
Variant type: single nucleotide variant.
Coding change: c.317T>C on transcript NM_002709.3 (MANE Select); coding-DNA position 317, T replaced by C.
Protein change: p.Leu106Pro; replaces leucine 106 with proline.
Molecular consequence: missense variant.
Genome position (GRCh38, 1-based): chr2:28,778,941, T>C. VCF-style: chr2-28778941-T-C. GRCh37 (hg19) VCF-style: chr2-29001807-T-C.
Other names: c.317T>C, p.Leu106Pro (NM_206876.2); short protein forms L106P.
Identifiers: ClinVar variation 4742864 (VCV004742864.1).
Genomic context (GRCh38, chr2:28,778,941, plus strand): 5'-ATCTTTTCTTAGGAGATTATGTGGACAGAGGAAAGCAGTCTTTGGAAACCATTTGTTTGC[T>C]ATTGGCTTATAAAATCAAATATCCAGAGAACTTCTTTCTCTTAAGAGGAAACCATGAGTG-3'
Protein context (NP_002700.1, residues 96-116): GKQSLETICL[Leu106Pro]LAYKIKYPEN